The following is an entry in ClinVar:

ClinVar aggregate classification (germline): Uncertain significance (1 of 4 stars; one submission).

Conditions:
Candidiasis, familial, 9 (CANDF9). Identifiers: Orphanet 1334, MedGen C4225324, MONDO:0014642, OMIM 616445.

Submission:

Labcorp Genetics (formerly Invitae), Labcorp
Classification: Uncertain significance for Candidiasis, familial, 9. Last evaluated: 2024-02-17. Review status: criteria provided, single submitter. Criteria: Invitae Variant Classification Sherloc (09022015). Collection method: clinical testing. Allele origin: germline.
Comment: This sequence change replaces proline, which is neutral and non-polar, with histidine, which is basic and polar, at codon 281 of the IL17RC protein (p.Pro281His). This variant is not present in population databases (gnomAD no frequency). This variant has not been reported in the literature in individuals affected with IL17RC-related conditions. ClinVar contains an entry for this variant (Variation ID: 1009796). An algorithm developed to predict the effect of missense changes on protein structure and function (PolyPhen-2) suggests that this variant is likely to be disruptive. In summary, the available evidence is currently insufficient to determine the role of this variant in disease. Therefore, it has been classified as a Variant of Uncertain Significance.

NM_153460.4(IL17RC):c.629C>A (p.Pro210His)

Gene: IL17RC (interleukin 17 receptor C; plus strand). Cytogenetic location: 3p25.3.
Variant type: single nucleotide variant.
Coding change: c.629C>A on transcript NM_153460.4 (MANE Select); coding-DNA position 629, C replaced by A.
Protein change: p.Pro210His; replaces proline 210 with histidine.
Molecular consequence: missense variant. On other transcripts: non-coding transcript variant (1).
Genome position (GRCh38, 1-based): chr3:9,923,887, C>A. VCF-style: chr3-9923887-C-A. GRCh37 (hg19) VCF-style: chr3-9965571-C-A.
Other names: c.629C>A, p.Pro210His (NM_001203263.2, NM_001203264.2, NM_001367278.1); c.584C>A, p.Pro195His (NM_001203265.2, NM_001367280.1, NM_032732.6); c.509C>A, p.Pro170His (NM_001367279.1); c.842C>A, p.Pro281His (NM_153461.4); short protein forms P170H, P195H, P210H, P281H.
Identifiers: ClinVar variation 1009796 (VCV001009796.5), dbSNP rs2083813755, ClinGen allele CA351759323.